The following is an entry in ClinVar:

ClinVar aggregate classification (germline): Pathogenic/Likely pathogenic. Review status: criteria provided, multiple submitters, no conflicts (2 of 4 stars). 3 submissions from 3 submitters: Pathogenic (2); Likely pathogenic (1). Last evaluated 2025-08-07.

Conditions:
Cardiovascular phenotype. Identifiers: MedGen CN230736.
Long QT syndrome (LQTS). Identifiers: MedGen C0023976, MeSH D008133, MONDO:0002442. Disease mechanism: loss of function. Inheritance: Various modes of inheritance.

Allele frequency attached by ClinVar (database versions not stated): gnomAD exomes below 0.00001.
gnomAD v4.1: 1 of 1,613,846 alleles (0.000062%); highest among the groups gnomAD compares: Non-Finnish European, 0.000085%; no homozygotes.

Submissions (3):

Ambry Genetics
Classification: Likely pathogenic for Cardiovascular phenotype. Last evaluated: 2025-08-07. Review status: criteria provided, single submitter. Criteria: Ambry Variant Classification Scheme 2023. Collection method: clinical testing. Allele origin: germline.
Comment: The c.1945+6T>C intronic variant results from a T to C substitution 6 nucleotides after coding exon 7 in the KCNH2 gene. This variant was identified in one or more individuals with features consistent with KCNH2-related long QT syndrome and segregated with disease in at least one family (Zhang L et al. J. Am. Coll. Cardiol. 2004 Sep;44(6):1283-91). Studies have indicated that this alteration results in abnormal splicing (Zhang L et al. J. Am. Coll. Cardiol. 2004 Sep;44(6):1283-91). This variant is considered to be rare based on population cohorts in the Genome Aggregation Database (gnomAD). This nucleotide position is well conserved in available vertebrate species. In silico splice site analysis predicts that this alteration will not have any significant effect on splicing. Based on the majority of available evidence to date, this variant is likely to be pathogenic.

GeneDx
Classification: Pathogenic. Last evaluated: 2023-05-04. Review status: criteria provided, single submitter. Criteria: GeneDx Variant Classification Process June 2021. Collection method: clinical testing. Allele origin: germline. Affected: yes.
Comment: Not observed in large population cohorts (gnomAD); Published functional studies demonstrate a damaging effect as the splice assays show that this variant results in the KCNH2 protein being retained in the endoplasmic reticulum (Zhang et al., 2004; De Conti et al., 2012); This variant is associated with the following publications: (PMID: 15364333, 22617876)

Labcorp Genetics (formerly Invitae), Labcorp
Classification: Pathogenic for Long QT syndrome. Last evaluated: 2022-02-21. Review status: criteria provided, single submitter. Criteria: Invitae Variant Classification Sherloc (09022015). Collection method: clinical testing. Allele origin: germline.
Comment: This variant has been observed in individual(s) with long QT syndrome (PMID: 15364333). It has also been observed to segregate with disease in related individuals. For these reasons, this variant has been classified as Pathogenic. Variants that disrupt the consensus splice site are a relatively common cause of aberrant splicing (PMID: 17576681, 9536098). Studies have shown that this variant alters mRNA splicing and is expected to lead to the loss of protein expression (PMID: 15364333). Experimental studies have shown that this variant affects KCNH2 function (PMID: 15364333). Algorithms developed to predict the effect of variants on protein structure and function are not available or were not evaluated for this variant. ClinVar contains an entry for this variant (Variation ID: 200400). This variant is not present in population databases (gnomAD no frequency). This sequence change falls in intron 7 of the KCNH2 gene. It does not directly change the encoded amino acid sequence of the KCNH2 protein. It affects a nucleotide within the consensus splice site.

Literature cited by the submitters: PubMed 15364333 (cited by Labcorp Genetics (formerly Invitae), Labcorp); PubMed 17576681 (cited by Labcorp Genetics (formerly Invitae), Labcorp); PubMed 9536098 (cited by Labcorp Genetics (formerly Invitae), Labcorp).

NM_000238.4(KCNH2):c.1945+6T>C

Gene: KCNH2 (potassium voltage-gated channel subfamily H member 2; minus strand). Cytogenetic location: 7q36.1.
Variant type: single nucleotide variant.
Coding change: c.1945+6T>C on transcript NM_000238.4 (MANE Select); 6 bases into the intron after coding-DNA position 1945, T replaced by C.
Molecular consequence: intron variant.
Genome position (GRCh38, 1-based): chr7:150,951,442, A>G on the plus strand (T>C on the coding strand, the complement: KCNH2 is on the minus strand). VCF-style: chr7-150951442-A-G. GRCh37 (hg19) VCF-style: chr7-150648530-A-G.
Other names: c.1657+6T>C (NM_001406753.1, NM_001406756.1); c.925+6T>C (NM_172057.3, NM_001204798.2); c.1945+6T>C (NM_172056.3); c.1768+6T>C (NM_001406755.1); c.1645+6T>C (NM_001406757.1).
Identifiers: ClinVar variation 200400 (VCV000200400.13), dbSNP rs794728380, ClinGen allele CA006073.
Genomic context (GRCh38, chr7:150,951,442, plus strand): 5'-AGTTTCCTCCAACTTGGGTTCCTCCACCGTGGGCTCTCCCCGCCGCCCGCCCCTGGGCAC[A>G]CTCACAGCCAATGAGCATGACGCAGATGGAGAAGATCTTCTCTGAGTTGGTGTTGGGAGA-3'